The following is an entry in ClinVar:

ClinVar aggregate classification (germline): Uncertain significance (1 of 4 stars; one submission).

Allele frequency attached by ClinVar (database versions not stated): gnomAD exomes 0.00001; ExAC 0.00002.
gnomAD v4.1: 16 of 1,614,172 alleles (0.00099%); highest among the groups gnomAD compares: Non-Finnish European, 0.0014%; no homozygotes.

Submission:

Labcorp Genetics (formerly Invitae), Labcorp
Classification: Uncertain significance. Last evaluated: 2022-07-12. Review status: criteria provided, single submitter. Criteria: Invitae Variant Classification Sherloc (09022015). Collection method: clinical testing. Allele origin: germline.
Comment: ClinVar contains an entry for this variant (Variation ID: 1419660). This sequence change replaces lysine, which is basic and polar, with glutamine, which is neutral and polar, at codon 254 of the COCH protein (p.Lys254Gln). This variant is present in population databases (rs759845948, gnomAD 0.003%). This variant has not been reported in the literature in individuals affected with COCH-related conditions. Algorithms developed to predict the effect of missense changes on protein structure and function (SIFT, PolyPhen-2, Align-GVGD) all suggest that this variant is likely to be tolerated. In summary, the available evidence is currently insufficient to determine the role of this variant in disease. Therefore, it has been classified as a Variant of Uncertain Significance.

NM_004086.3(COCH):c.760A>C (p.Lys254Gln)

Genes: COCH (cochlin; plus strand), COCH-AS1 (COCH antisense RNA 1; minus strand). Cytogenetic location: 14q12.
Variant type: single nucleotide variant.
Coding change: c.760A>C on transcript NM_004086.3 (MANE Select); coding-DNA position 760, A replaced by C.
Protein change: p.Lys254Gln; replaces lysine 254 with glutamine.
Molecular consequence: missense variant. On other transcripts: non-coding transcript variant (1).
Genome position (GRCh38, 1-based): chr14:30,885,420, A>C. VCF-style: chr14-30885420-A-C. GRCh37 (hg19) VCF-style: chr14-31354626-A-C.
Other names: c.760A>C, p.Lys254Gln (NM_001135058.2); c.955A>C, p.Lys319Gln (NM_001347720.2); short protein forms K254Q, K319Q.
Identifiers: ClinVar variation 1419660 (VCV001419660.6), dbSNP rs759845948, ClinGen allele CA7143192.